The following is an entry in ClinVar:

NM_000219.6(KCNE1):c.322G>A (p.Val108Ile)

Gene: KCNE1 (potassium voltage-gated channel subfamily E regulatory subunit 1; minus strand). Cytogenetic location: 21q22.12.
Variant type: single nucleotide variant.
Coding change: c.322G>A on transcript NM_000219.6 (MANE Select); coding-DNA position 322, G replaced by A.
Protein change: p.Val108Ile; replaces valine 108 with isoleucine.
Molecular consequence: missense variant.
Genome position (GRCh38, 1-based): chr21:34,449,313, C>T on the plus strand (G>A on the coding strand, the complement: KCNE1 is on the minus strand). VCF-style: chr21-34449313-C-T. GRCh37 (hg19) VCF-style: chr21-35821611-C-T.
Other names: c.322G>A, p.Val108Ile (NM_001127668.4, NM_001127669.4, NM_001127670.4 and 4 more transcripts); short protein forms V108I.
Identifiers: ClinVar variation 3374634 (VCV003374634.2).

Conditions:
Long QT syndrome 5 (LQT5). Identifiers: Orphanet 101016, Orphanet 768, MedGen C1867904, MONDO:0013372, OMIM 613695.

Submission:

Roden Lab, Vanderbilt University Medical Center
No classification provided (evidence only). Condition: Long QT syndrome 5. Review status: no classification provided. Collection method: in vitro. Allele origin: not applicable. Functional consequence: Effect on ion channel function.
ClinVar note: "not provided" was previously submitted as the classification for the variant. However, the classification appeared to be based only on an observation of functional data so it was converted to no classification on 2025-07-30.